The following is an entry in ClinVar:

ClinVar aggregate classification (germline): Pathogenic (1 of 4 stars; one submission).

Conditions:
Combined immunodeficiency due to LRBA deficiency. Also called: Common variable immunodeficiency 8, with autoimmunity. Identifiers: Orphanet 445018, MedGen C3553512, MONDO:0013863, OMIM 614700.

Submission:

3billion
Classification: Pathogenic for Combined immunodeficiency due to LRBA deficiency. Last evaluated: 2023-10-10. Review status: criteria provided, single submitter. Criteria: ACMG Guidelines, 2015. Collection method: clinical testing. Allele origin: germline. Affected: yes.
Comment: The variant is not observed in the gnomAD v2.1.1 dataset. Predicted Consequence/Location: Frameshift: predicted to result in a loss or disruption of normal protein function through nonsense-mediated decay (NMD) or protein truncation. Multiple pathogenic variants are reported downstream of the variant. The variant has been reported to be associated with LRBA related disorder (PMID: 32506362). Therefore, this variant is classified as Pathogenic according to the recommendation of ACMG/AMP guideline.

Literature cited by the submitters: PubMed 32506362.

NM_001364905.1(LRBA):c.6554del (p.Arg2185fs)

Gene: LRBA (LPS responsive beige-like anchor protein; minus strand). Cytogenetic location: 4q31.3.
Variant type: Deletion.
Coding change: c.6554del on transcript NM_001364905.1 (MANE Select); coding-DNA position 6554, one base deleted (G; older notation c.6554delG).
Protein change: p.Arg2185fs; shifts the reading frame from arginine 2185.
Molecular consequence: frameshift variant.
Genome position (GRCh38, 1-based): chr4:150,471,737, C deleted on the plus strand (G on the coding strand, the reverse complement: LRBA is on the minus strand). VCF-style (leftmost placement, unchanged base first): chr4-150471736-AC-A. GRCh37 (hg19) VCF-style: chr4-151392888-AC-A.
Other names: c.6554delG, p.Arg2185Leufs (NM_001199282.3); c.6554del, p.Arg2185fs (NM_001367550.1); c.6587delG, p.Arg2196Leufs (NM_006726.5); short protein forms R2185fs, R2196fs.
Identifiers: ClinVar variation 3775244 (VCV003775244.1).